The following is an entry in ClinVar:

NM_000038.6(APC):c.3047del (p.Asp1016fs)

Gene: APC (APC regulator of Wnt signaling pathway; plus strand). Cytogenetic location: 5q22.2.
Variant type: Deletion.
Coding change: c.3047del on transcript NM_000038.6 (MANE Select); coding-DNA position 3047, one base deleted (A; older notation c.3047delA).
Protein change: p.Asp1016fs; shifts the reading frame from aspartic acid 1016.
Molecular consequence: frameshift variant. On other transcripts: non-coding transcript variant (2).
Genome position (GRCh38, 1-based): chr5:112,838,641, A deleted. VCF-style (leftmost placement, unchanged base first): chr5-112838640-GA-G. GRCh37 (hg19) VCF-style: chr5-112174337-GA-G.
Other names: c.3047del, p.Asp1016fs (NM_001127510.3, NM_001354895.2, NM_001407450.1); c.2993del, p.Asp998fs (NM_001127511.3); c.3101del, p.Asp1034fs (NM_001354896.2, NM_001407447.1, NM_001407448.1 and 1 more transcripts); c.3077del, p.Asp1026fs (NM_001354897.2); c.2972del, p.Asp991fs (NM_001354898.2); c.2963del, p.Asp988fs (NM_001354899.2); c.2924del, p.Asp975fs (NM_001354900.2); c.2870del, p.Asp957fs (NM_001354901.2, NM_001407453.1); and 11 more; short protein forms D1034fs, D1044fs, D988fs, D1026fs, D733fs, D915fs, D925fs, D933fs.
Identifiers: ClinVar variation 4715144 (VCV004715144.1).

ClinVar aggregate classification (germline): Pathogenic (1 of 4 stars; one submission).

Conditions:
Familial adenomatous polyposis 1 (FAP1). Also called: FAMILIAL ADENOMATOUS POLYPOSIS 1, ATTENUATED; POLYPOSIS, ADENOMATOUS INTESTINAL. Identifiers: MedGen C2713442, MONDO:0021056, OMIM 175100. Disease mechanism: loss of function.

Submission:

Labcorp Genetics (formerly Invitae), Labcorp
Classification: Pathogenic for Familial adenomatous polyposis 1. Last evaluated: 2025-03-16. Review status: criteria provided, single submitter. Criteria: Invitae Variant Classification Sherloc (09022015). Collection method: clinical testing. Allele origin: germline.
Comment: This sequence change creates a premature translational stop signal (p.Asp1016Valfs*6) in the APC gene. While this is not anticipated to result in nonsense mediated decay, it is expected to disrupt the last 1828 amino acid(s) of the APC protein. This variant is not present in population databases (gnomAD no frequency). This variant has not been reported in the literature in individuals affected with APC-related conditions. This variant is expected to disrupt the EB1 and HDLG binding sites, which mediate interactions with the cytoskeleton (PMID: 15311282, 17293347). While functional studies have not been performed to directly test the effect on APC protein function, this suggests that disruption of the C-terminal portion of the protein is functionally important. A different truncation (p.Tyr2645Lysfs*14) that lies downstream of this variant has been determined to be pathogenic (PMID: 9824584, 1316610, 27081525, 8381579, 22135120, internal data). This suggests that deletion of this region of the APC protein is causative of disease. For these reasons, this variant has been classified as Pathogenic.

Literature cited by the submitters: PubMed 15311282; PubMed 17293347; PubMed 9824584; PubMed 1316610; PubMed 27081525; PubMed 8381579; PubMed 22135120.